The following is an entry in ClinVar:

ClinVar aggregate classification (germline): Benign/Likely benign. Review status: criteria provided, multiple submitters, no conflicts (2 of 4 stars). 4 submissions from 4 submitters: Benign (1); Likely benign (2). 1 of the submissions does not count toward it. Last evaluated 2025-12-10.

Conditions:
CPAMD8-related disorder. Also called: CPAMD8-related condition.

Allele frequency attached by ClinVar (database versions not stated): 1000 Genomes Project 0.00140; 1000 Genomes Project 30x 0.00156; ESP Exome Variant Server 0.00164; gnomAD 0.00222; TOPMed 0.00253; gnomAD exomes 0.00292; ExAC 0.00298.
gnomAD v4.1: 4,612 of 1,610,592 alleles (0.29%); highest among the groups gnomAD compares: Middle Eastern, 0.84%; 12 homozygotes.

Submissions (4):

Labcorp Genetics (formerly Invitae), Labcorp
Classification: Benign. Last evaluated: 2025-12-10. Review status: criteria provided, single submitter. Criteria: Invitae Variant Classification Sherloc (09022015). Collection method: clinical testing. Allele origin: germline.

Blueprint Genetics
Classification: Likely benign. Last evaluated: 2024-11-27. Review status: criteria provided, single submitter. Criteria: ACMG Guidelines, 2015. Collection method: clinical testing. Allele origin: germline.

CeGaT Center for Human Genetics Tuebingen
Classification: Likely benign. Last evaluated: 2022-08-01. Review status: criteria provided, single submitter. Criteria: CeGaT Center For Human Genetics Tuebingen Variant Classification Criteria Version 2. Collection method: clinical testing. Allele origin: germline. Affected: yes. Observed: 3 variant alleles.
Comment: CPAMD8: BP4, BP7

PreventionGenetics, part of Exact Sciences
Classification: Benign for CPAMD8-related condition. Last evaluated: 2019-05-10. Review status: no assertion criteria provided. Collection method: clinical testing. Allele origin: germline. Not counted in ClinVar's aggregate classification.
Comment: This variant is classified as benign based on ACMG/AMP sequence variant interpretation guidelines (Richards et al. 2015 PMID: 25741868, with internal and published modifications).

NM_015692.5(CPAMD8):c.4926A>T (p.Pro1642=)

Gene: CPAMD8 (C3 and PZP like alpha-2-macroglobulin domain containing 8; minus strand). Cytogenetic location: 19p13.11.
Variant type: single nucleotide variant.
Coding change: c.4926A>T on transcript NM_015692.5 (MANE Select); coding-DNA position 4926, A replaced by T.
Protein change: p.Pro1642=; no amino-acid change (proline 1642 retained).
Molecular consequence: synonymous variant.
Genome position (GRCh38, 1-based): chr19:16,897,917, T>A on the plus strand (A>T on the coding strand, the complement: CPAMD8 is on the minus strand). VCF-style: chr19-16897917-T-A. GRCh37 (hg19) VCF-style: chr19-17008728-T-A.
Identifiers: ClinVar variation 2046459 (VCV002046459.29), dbSNP rs199549659, ClinGen allele CA9284421.
Genomic context (GRCh38, chr19:16,897,917, plus strand): 5'-GCCGGGCCGGGGGTGCGGGCGCGCGGGCCTACCGGGTTCGTAGTAGTCGTACACGGAGAC[T>A]GGCAGCGCCGACGTCCTGCCCACCACGCACTCCCGGAGAGCACGGAACCGCACGCACGTC-3'
Protein context (NP_056507.3, residues 1632-1652): ECVVGRTSAL[Pro1642=]VSVYDYYEPA